The following is an entry in ClinVar:

NM_017827.4(SARS2):c.353G>A (p.Arg118Gln)

Gene: SARS2 (seryl-tRNA synthetase 2, mitochondrial; minus strand). Cytogenetic location: 19q13.2.
Variant type: single nucleotide variant.
Coding change: c.353G>A on transcript NM_017827.4 (MANE Select); coding-DNA position 353, G replaced by A.
Protein change: p.Arg118Gln; replaces arginine 118 with glutamine.
Molecular consequence: missense variant.
Genome position (GRCh38, 1-based): chr19:38,926,215, C>T on the plus strand (G>A on the coding strand, the complement: SARS2 is on the minus strand). VCF-style: chr19-38926215-C-T. GRCh37 (hg19) VCF-style: chr19-39416855-C-T.
Other names: c.353G>A, p.Arg118Gln (NM_001145901.2); short protein forms R118Q.
Identifiers: ClinVar variation 329223 (VCV000329223.11), dbSNP rs377601567, ClinGen allele CA9423257.

ClinVar aggregate classification (germline): Uncertain significance. Review status: criteria provided, multiple submitters, no conflicts (2 of 4 stars). 5 submissions from 5 submitters: Uncertain significance (5). Last evaluated 2024-11-06.

Conditions:
Hyperuricemia, pulmonary hypertension, renal failure, alkalosis syndrome (HUPRAS). Also called: HUPRA SYNDROME; HYPERURICEMIA, PULMONARY HYPERTENSION, RENAL FAILURE, AND ALKALOSIS SYNDROME. Identifiers: Orphanet 363694, MedGen C3151209, MONDO:0013458, OMIM 613845.

Allele frequency attached by ClinVar (database versions not stated): ExAC 0.00002; gnomAD exomes 0.00002; gnomAD 0.00014 and 0.00015; ESP Exome Variant Server 0.00015; TOPMed 0.00015.
gnomAD v4.1: 37 of 1,605,864 alleles (0.0023%); highest among the groups gnomAD compares: African/African-American, 0.039%; no homozygotes.

Submissions (5):

GeneDx
Classification: Uncertain significance. Last evaluated: 2024-11-06. Review status: criteria provided, single submitter. Criteria: GeneDx Variant Classification Process June 2021. Collection method: clinical testing. Allele origin: germline. Affected: yes.
Comment: In silico analysis indicates that this missense variant does not alter protein structure/function; Has not been previously published as pathogenic or benign to our knowledge

Fulgent Genetics
Classification: Uncertain significance for Hyperuricemia, pulmonary hypertension, renal failure, alkalosis syndrome. Last evaluated: 2024-04-24. Review status: criteria provided, single submitter. Criteria: ACMG Guidelines, 2015. Collection method: clinical testing. Allele origin: germline.

Labcorp Genetics (formerly Invitae), Labcorp
Classification: Uncertain significance. Last evaluated: 2022-06-22. Review status: criteria provided, single submitter. Criteria: Invitae Variant Classification Sherloc (09022015). Collection method: clinical testing. Allele origin: germline.
Comment: The frequency data for this variant in the population databases is considered unreliable, as metrics indicate poor data quality at this position in the gnomAD database. In summary, the available evidence is currently insufficient to determine the role of this variant in disease. Therefore, it has been classified as a Variant of Uncertain Significance. Algorithms developed to predict the effect of missense changes on protein structure and function output the following: SIFT: "Deleterious"; PolyPhen-2: "Benign"; Align-GVGD: "Class C0". The glutamine amino acid residue is found in multiple mammalian species, which suggests that this missense change does not adversely affect protein function. ClinVar contains an entry for this variant (Variation ID: 329223). This variant has not been reported in the literature in individuals affected with SARS2-related conditions. This sequence change replaces arginine, which is basic and polar, with glutamine, which is neutral and polar, at codon 118 of the SARS2 protein (p.Arg118Gln).

Baylor Genetics
Classification: Uncertain significance for Hyperuricemia, pulmonary hypertension, renal failure, alkalosis syndrome. Last evaluated: 2022-05-03. Review status: criteria provided, single submitter. Criteria: ACMG Guidelines, 2015. Collection method: clinical testing. Allele origin: unknown.

Illumina Laboratory Services, Illumina
Classification: Uncertain significance for Hyperuricemia, pulmonary hypertension, renal failure, alkalosis syndrome. Last evaluated: 2018-01-13. Review status: criteria provided, single submitter. Criteria: ICSL Variant Classification Criteria 13 December 2019. Collection method: clinical testing. Allele origin: germline.